The following is an entry in ClinVar:

NM_032193.4(RNASEH2C):c.140T>G (p.Phe47Cys)

Genes: RNASEH2C (ribonuclease H2 subunit C; minus strand), LOC130006061 (ATAC-STARR-seq lymphoblastoid silent region 3553; plus strand). Cytogenetic location: 11q13.1.
Variant type: single nucleotide variant.
Coding change: c.140T>G on transcript NM_032193.4 (MANE Select); coding-DNA position 140, T replaced by G.
Protein change: p.Phe47Cys; replaces phenylalanine 47 with cysteine.
Molecular consequence: missense variant.
Genome position (GRCh38, 1-based): chr11:65,720,619, A>C on the plus strand (T>G on the coding strand, the complement: RNASEH2C is on the minus strand). VCF-style: chr11-65720619-A-C. GRCh37 (hg19) VCF-style: chr11-65488090-A-C.
Other names: short protein forms F47C.
Identifiers: ClinVar variation 1014463 (VCV001014463.7), dbSNP rs1453336065, ClinGen allele CA381299217.

ClinVar aggregate classification (germline): Uncertain significance. Review status: criteria provided, multiple submitters, no conflicts (2 of 4 stars). 2 submissions from 2 submitters: Uncertain significance (2). Last evaluated 2022-07-09.

Conditions:
Aicardi-Goutieres syndrome 3. Identifiers: Orphanet 51, MedGen C1835916, MONDO:0012471, OMIM 610329.

Allele frequency attached by ClinVar (database versions not stated): gnomAD exomes 0.00001 and 0.00002; TOPMed 0.00001; gnomAD 0.00002.

Submissions (2):

GeneDx
Classification: Uncertain significance. Last evaluated: 2022-07-09. Review status: criteria provided, single submitter. Criteria: GeneDx Variant Classification Process June 2021. Collection method: clinical testing. Allele origin: germline. Affected: yes.
Comment: Not observed at significant frequency in large population cohorts (gnomAD); In silico analysis supports that this missense variant has a deleterious effect on protein structure/function; Has not been previously published as pathogenic or benign to our knowledge

Labcorp Genetics (formerly Invitae), Labcorp
Classification: Uncertain significance for Aicardi-Goutieres syndrome 3. Last evaluated: 2022-02-09. Review status: criteria provided, single submitter. Criteria: Invitae Variant Classification Sherloc (09022015). Collection method: clinical testing. Allele origin: germline.
Comment: This sequence change replaces phenylalanine, which is neutral and non-polar, with cysteine, which is neutral and slightly polar, at codon 47 of the RNASEH2C protein (p.Phe47Cys). This variant is present in population databases (no rsID available, gnomAD 0.002%). This variant has not been reported in the literature in individuals affected with RNASEH2C-related conditions. ClinVar contains an entry for this variant (Variation ID: 1014463). Algorithms developed to predict the effect of missense changes on protein structure and function are either unavailable or do not agree on the potential impact of this missense change (SIFT: "Deleterious"; PolyPhen-2: "Probably Damaging"; Align-GVGD: "Class C0"). In summary, the available evidence is currently insufficient to determine the role of this variant in disease. Therefore, it has been classified as a Variant of Uncertain Significance.